The following continues an entry in ClinVar:

NM_003560.4(PLA2G6):c.2222G>A (p.Arg741Gln)

Gene: PLA2G6. ClinVar aggregate classification (germline): Pathogenic/Likely pathogenic. Pathogenic (11); Likely pathogenic (3).

Submissions 13 to 17 of 17:

Neuberg Centre For Genomic Medicine, NCGM
Classification: Pathogenic for Neurodegeneration with brain iron accumulation 2B. Review status: criteria provided, single submitter. Criteria: ACMG Guidelines, 2015. Collection method: clinical testing. Allele origin: germline. Inheritance: Autosomal recessive inheritance. Affected: yes.
Comment: The observed missense c.2222G>A (p.Arg741Gln) variant in PLA2G6 gene has been previously reported in homozygous state in multiple individuals affected with PLA2G6-related disorders (Paisán-Ruiz et al., 2010; Bohlega et al., 2016; Kumar et al., 2020). This variant has been observed to segregate with disease (Paisán-Ruiz et al., 2010). Functional studies showed that this variant is unable to maintain mitochondrial function and is defective in preventing mitochondrial dysfunction, ROS generation and activation of mitochondrial apoptotic pathway (Chiu et al., 2017). The p.Arg741Gln variant has been reported with allele frequency of 0.009% in gnomAD Exomes. This variant has been submitted to the ClinVar database as Likely Pathogenic / Pathogenic (multiple submitters). The amino acid change p.Arg741Gln in PLA2G6 is predicted as conserved by GERP++ and PhyloP across 100 vertebrates. The amino acid Arg at position 741 is changed to a Gln changing protein sequence and it might alter its composition and physico-chemical properties. For these reasons, this variant has been classified as Pathogenic.

Neuberg Centre For Genomic Medicine, NCGM
Classification: Pathogenic for Infantile neuroaxonal dystrophy. Review status: criteria provided, single submitter. Criteria: ACMG Guidelines, 2015. Collection method: clinical testing. Allele origin: germline. Inheritance: Autosomal recessive inheritance. Affected: yes.

Solve-RD Consortium
Classification: Likely pathogenic for Neurodegeneration with brain iron accumulation 2B. Last evaluated: 2022-06-01. Review status: no assertion criteria provided. Collection method: provider interpretation. Allele origin: inherited. Affected: yes. Not counted in ClinVar's aggregate classification.
Comment: Variant confirmed as disease-causing by referring clinical team

Variant identified during reanalysis of unsolved cases by the Solve-RD project. The Solve-RD project has received funding from the European Union’s Horizon 2020 research and innovation programme under grant agreement No 779257.

OMIM
Classification: Pathogenic for PARKINSON DISEASE 14. Last evaluated: 2009-02-01. Review status: no assertion criteria provided. Collection method: literature only. Allele origin: germline. Not counted in ClinVar's aggregate classification.

Department of Rehabilitation Medicine, Incheon St. Mary’s Hospital, College of Medicine, The Catholic University of Korea
Classification: Pathogenic for Neurodegeneration with brain iron accumulation 2B. Review status: no assertion criteria provided. Collection method: clinical testing. Allele origin: germline. Affected: yes. Not counted in ClinVar's aggregate classification.

Literature cited by the submitters: PubMed 18570303 (cited by 4 submitters); PubMed 20669327 (cited by Labcorp Genetics (formerly Invitae), Labcorp); PubMed 26196026 (cited by Labcorp Genetics (formerly Invitae), Labcorp); PubMed 26668131 (cited by Labcorp Genetics (formerly Invitae), Labcorp); PubMed 27268037 (cited by 3 submitters); PubMed 20886109 (cited by Mayo Clinic Laboratories, Mayo Clinic); PubMed 32183746 (cited by Mayo Clinic Laboratories, Mayo Clinic); PubMed 32707456 (cited by Mayo Clinic Laboratories, Mayo Clinic and Women's Health and Genetics/Laboratory Corporation of America, LabCorp); PubMed 34272103 (cited by Mayo Clinic Laboratories, Mayo Clinic); PubMed 34520727 (cited by Mayo Clinic Laboratories, Mayo Clinic); PubMed 34622992 (cited by Mayo Clinic Laboratories, Mayo Clinic); PubMed 35113461 (cited by Mayo Clinic Laboratories, Mayo Clinic); PubMed 32860008 (cited by CENTOGENE GmbH and LLC - Guiding Precision Medicine); PubMed 39825153 (cited by Solve-RD Consortium); PubMed 18981035 (cited by OMIM).